The following is an entry in ClinVar:

NM_001457.4(FLNB):c.995T>A (p.Leu332His)

Gene: FLNB (filamin B; plus strand). Cytogenetic location: 3p14.3.
Variant type: single nucleotide variant.
Coding change: c.995T>A on transcript NM_001457.4 (MANE Select); coding-DNA position 995, T replaced by A.
Protein change: p.Leu332His; replaces leucine 332 with histidine.
Molecular consequence: missense variant.
Genome position (GRCh38, 1-based): chr3:58,097,825, T>A. VCF-style: chr3-58097825-T-A. GRCh37 (hg19) VCF-style: chr3-58083552-T-A.
Other names: c.995T>A, p.Leu332His (NM_001164317.2, NM_001164318.2, NM_001164319.2); c.995T>A (NM_001457.3); short protein forms L332H.
Identifiers: ClinVar variation 2991300 (VCV002991300.4), dbSNP rs749203407, ClinGen allele CA2467684.

ClinVar aggregate classification (germline): Uncertain significance. Review status: criteria provided, multiple submitters, no conflicts (2 of 4 stars). 2 submissions from 2 submitters: Uncertain significance (2). Last evaluated 2026-05-11.

Conditions:
Inborn genetic diseases. Identifiers: MedGen C0950123, MeSH D030342.

Allele frequency attached by ClinVar (database versions not stated): gnomAD 0.00001; ExAC 0.00001; gnomAD exomes 0.00002.
gnomAD v4.1: 31 of 1,613,966 alleles (0.0019%); highest among the groups gnomAD compares: Non-Finnish European, 0.0025%; no homozygotes.

Submissions (2):

Ambry Genetics
Classification: Uncertain significance for Inborn genetic diseases. Last evaluated: 2026-05-11. Review status: criteria provided, single submitter. Criteria: Ambry Variant Classification Scheme 2023. Collection method: clinical testing. Allele origin: germline.
Comment: The c.995T>A (p.L332H) alteration is located in exon 7 (coding exon 7) of the FLNB gene. This alteration results from a T to A substitution at nucleotide position 995, causing the leucine (L) at amino acid position 332 to be replaced by a histidine (H). Based on data from gnomAD, the A allele has an overall frequency of 0.001% (3/251270) total alleles studied. The highest observed frequency was 0.003% (3/113636) of European (non-Finnish) alleles. Based on insufficient or conflicting evidence, the clinical significance of this alteration remains unclear.

Labcorp Genetics (formerly Invitae), Labcorp
Classification: Uncertain significance. Last evaluated: 2024-04-27. Review status: criteria provided, single submitter. Criteria: Invitae Variant Classification Sherloc (09022015). Collection method: clinical testing. Allele origin: germline.
Comment: This sequence change replaces leucine, which is neutral and non-polar, with histidine, which is basic and polar, at codon 332 of the FLNB protein (p.Leu332His). This variant is present in population databases (rs749203407, gnomAD 0.003%). This variant has not been reported in the literature in individuals affected with FLNB-related conditions. Advanced modeling of protein sequence and biophysical properties (such as structural, functional, and spatial information, amino acid conservation, physicochemical variation, residue mobility, and thermodynamic stability) performed at Invitae indicates that this missense variant is not expected to disrupt FLNB protein function with a negative predictive value of 95%. In summary, the available evidence is currently insufficient to determine the role of this variant in disease. Therefore, it has been classified as a Variant of Uncertain Significance.